The following is an entry in ClinVar:

NM_000112.4(SLC26A2):c.*3670G>A

Gene: SLC26A2 (solute carrier family 26 member 2; plus strand). Cytogenetic location: 5q32.
Variant type: single nucleotide variant.
Coding change: c.*3670G>A on transcript NM_000112.4 (MANE Select); 3670 bases downstream of the stop codon, G replaced by A.
Molecular consequence: 3 prime UTR variant.
Genome position (GRCh38, 1-based): chr5:149,985,483, G>A. VCF-style: chr5-149985483-G-A. GRCh37 (hg19) VCF-style: chr5-149365046-G-A.
Identifiers: ClinVar variation 352079 (VCV000352079.18), dbSNP rs76262875, ClinGen allele CA10623626.
Genomic context (GRCh38, chr5:149,985,483, plus strand): 5'-TGAACTTTAAAAATGTGTCCAGGTGTTAGATGAGTTCATTAGACTCTTTTAATGCTAATG[G>A]CTAGTACGTTTAAACAAAACAGCAGTTCTCTGCTGCAATATTCCCATTGACCACTTAAAT-3'

ClinVar aggregate classification (germline): Benign. Review status: criteria provided, multiple submitters, no conflicts (2 of 4 stars). 7 submissions from 3 submitters: Benign (7). Last evaluated 2022-06-24.

Conditions:
Sulfate transporter-related osteochondrodysplasia. Also called: DTDST-related dysplasias. Identifiers: MedGen CN120497. Disease mechanism: loss of function.
Achondrogenesis, type IB (ACG1B). Also called: Achondrogenesis Type 1B. Identifiers: Orphanet 932, Orphanet 93298, MedGen C0265274, MONDO:0010966, OMIM 600972.
Diastrophic dysplasia (DTD). Also called: Diastrophic dwarfism. Identifiers: Orphanet 628, MedGen C0220726, MONDO:0009107, OMIM 222600.
Atelosteogenesis type II (AO2). Also called: NEONATAL OSSEOUS DYSPLASIA I; Neonatal osseous dysplasia 1; SLC26A2-Related Atelosteogenesis. Identifiers: Orphanet 56304, MedGen C1850554, MONDO:0009727, OMIM 256050.
Multiple epiphyseal dysplasia type 4 (EDM4). Also called: MULTIPLE EPIPHYSEAL DYSPLASIA WITH BILAYERED PATELLAE; MULTIPLE EPIPHYSEAL DYSPLASIA WITH CLUBFOOT; MULTIPLE EPIPHYSEAL DYSPLASIA, AUTOSOMAL RECESSIVE; SLC26A2-Related Multiple Epiphyseal Dysplasia; Multiple Epiphyseal Dysplasia, Recessive. Identifiers: Orphanet 93307, MedGen C1847593, MONDO:0009189, OMIM 226900.

Allele frequency attached by ClinVar (database versions not stated): gnomAD 0.04249 and 0.04581; 1000 Genomes Project 0.04633; TOPMed 0.04810; 1000 Genomes Project 30x 0.04872.

Submissions (7):

ARUP Laboratories, Molecular Genetics and Genomics, ARUP Laboratories
Classification: Benign. Last evaluated: 2022-06-24. Review status: criteria provided, single submitter. Criteria: ARUP Molecular Germline Variant Investigation Process 2021. Collection method: clinical testing. Allele origin: germline.

GeneDx
Classification: Benign. Last evaluated: 2021-05-22. Review status: criteria provided, single submitter. Criteria: GeneDx Variant Classification Process June 2021. Collection method: clinical testing. Allele origin: germline. Affected: yes.

Illumina Laboratory Services, Illumina
Classification: Benign for Osteochondrodysplasia. Last evaluated: 2018-01-13. Review status: criteria provided, single submitter. Criteria: ICSL Variant Classification Criteria 13 December 2019. Collection method: clinical testing. Allele origin: germline.
Comment: This variant was observed in the ICSL laboratory as part of a predisposition screen in an ostensibly healthy population. It had not been previously curated by ICSL or reported in the Human Gene Mutation Database (HGMD: prior to June 1st, 2018), and was therefore a candidate for classification through an automated scoring system. Utilizing variant allele frequency, disease prevalence and penetrance estimates, and inheritance mode, an automated score was calculated to assess if this variant is too frequent to cause the disease. Based on the score and internal cut-off values, a variant classified as benign is not then subjected to further curation. The score for this variant resulted in a classification of benign for this disease.

Illumina Laboratory Services, Illumina
Classification: Benign for Multiple epiphyseal dysplasia type 4. Last evaluated: 2018-01-13. Review status: criteria provided, single submitter. Criteria: ICSL Variant Classification Criteria 13 December 2019. Collection method: clinical testing. Allele origin: germline.
Comment: the same text as in the submission from Illumina Laboratory Services, Illumina above.

Illumina Laboratory Services, Illumina
Classification: Benign for Achondrogenesis, type IB. Last evaluated: 2018-01-13. Review status: criteria provided, single submitter. Criteria: ICSL Variant Classification Criteria 13 December 2019. Collection method: clinical testing. Allele origin: germline.
Comment: the same text as in the submission from Illumina Laboratory Services, Illumina above.

Illumina Laboratory Services, Illumina
Classification: Benign for Atelosteogenesis type II. Last evaluated: 2018-01-13. Review status: criteria provided, single submitter. Criteria: ICSL Variant Classification Criteria 13 December 2019. Collection method: clinical testing. Allele origin: germline.
Comment: the same text as in the submission from Illumina Laboratory Services, Illumina above.

Illumina Laboratory Services, Illumina
Classification: Benign for Diastrophic dysplasia. Last evaluated: 2018-01-13. Review status: criteria provided, single submitter. Criteria: ICSL Variant Classification Criteria 13 December 2019. Collection method: clinical testing. Allele origin: germline.
Comment: the same text as in the submission from Illumina Laboratory Services, Illumina above.